The following is an entry in ClinVar:

ClinVar aggregate classification (germline): Likely benign (1 of 4 stars; one submission).

gnomAD v4.1: 418 of 1,097,170 alleles (0.038%); highest among the groups gnomAD compares: Non-Finnish European, 0.046%; 138 homozygotes.

Submission:

CeGaT Center for Human Genetics Tuebingen
Classification: Likely benign. Last evaluated: 2026-01-01. Review status: criteria provided, single submitter. Criteria: CeGaT Center For Human Genetics Tuebingen Variant Classification Criteria Version 2. Collection method: clinical testing. Allele origin: germline. Affected: yes. Observed: 1 variant allele.
Comment: ZNG1A: BP4, BS2

NM_018491.5(ZNG1A):c.-5C>G

Gene: ZNG1A (Zn regulated GTPase metalloprotein activator 1A; minus strand). Cytogenetic location: 9p24.3.
Variant type: single nucleotide variant.
Coding change: c.-5C>G on transcript NM_018491.5 (MANE Select); 5 bases upstream of the start codon, C replaced by G.
Molecular consequence: 5 prime UTR variant. On other transcripts: non-coding transcript variant (8), intron variant (1).
Genome position (GRCh38, 1-based): chr9:178,974, G>C on the plus strand (C>G on the coding strand, the complement: ZNG1A is on the minus strand). VCF-style: chr9-178974-G-C. GRCh37 (hg19) VCF-style: chr9-178974-G-C.
Other names: c.-211C>G (NM_001145355.2, NM_001399797.1, NM_001399799.1 and 2 more transcripts); c.-5C>G (NM_001145356.2, NM_001399796.1, NM_001399800.1 and 4 more transcripts); c.-495C>G (NM_001399801.1); c.-492C>G (NM_001399804.1); c.-216+19C>G (NM_001399798.1).
Identifiers: ClinVar variation 4821243 (VCV004821243.4).